The following is an entry in ClinVar:

NM_006030.4(CACNA2D2):c.438A>T (p.Lys146Asn)

Gene: CACNA2D2 (calcium voltage-gated channel auxiliary subunit alpha2delta 2; minus strand). Cytogenetic location: 3p21.31.
Variant type: single nucleotide variant.
Coding change: c.438A>T on transcript NM_006030.4 (MANE Select); coding-DNA position 438, A replaced by T.
Protein change: p.Lys146Asn; replaces lysine 146 with asparagine.
Molecular consequence: missense variant.
Genome position (GRCh38, 1-based): chr3:50,394,136, T>A on the plus strand (A>T on the coding strand, the complement: CACNA2D2 is on the minus strand). VCF-style: chr3-50394136-T-A. GRCh37 (hg19) VCF-style: chr3-50431567-T-A.
Other names: c.438A>T, p.Lys146Asn (NM_001005505.3, NM_001174051.3); c.231A>T, p.Lys77Asn (NM_001291101.1); short protein forms K146N, K77N.
Identifiers: ClinVar variation 1023823 (VCV001023823.6), dbSNP rs1706024755, ClinGen allele CA352948589.

ClinVar aggregate classification (germline): Uncertain significance (1 of 4 stars; one submission).

Conditions:
Early-infantile DEE. Also called: Ohtahara syndrome; Early infantile epileptic encephalopathy; Early infantile epileptic encephalopathy with suppression bursts. Identifiers: Orphanet 1934, MedGen C0393706, MONDO:0800491.

Submission:

Labcorp Genetics (formerly Invitae), Labcorp
Classification: Uncertain significance for Early-infantile DEE. Last evaluated: 2020-10-10. Review status: criteria provided, single submitter. Criteria: Invitae Variant Classification Sherloc (09022015). Collection method: clinical testing. Allele origin: germline.
Comment: In summary, the available evidence is currently insufficient to determine the role of this variant in disease. Therefore, it has been classified as a Variant of Uncertain Significance. Algorithms developed to predict the effect of missense changes on protein structure and function are either unavailable or do not agree on the potential impact of this missense change (SIFT: "Deleterious"; PolyPhen-2: "Possibly Damaging"; Align-GVGD: "Class C0"). This variant has not been reported in the literature in individuals with CACNA2D2-related conditions. This variant is not present in population databases (ExAC no frequency). This sequence change replaces lysine with asparagine at codon 146 of the CACNA2D2 protein (p.Lys146Asn). The lysine residue is moderately conserved and there is a moderate physicochemical difference between lysine and asparagine.